The following is an entry in ClinVar:

NM_020923.3(ZDBF2):c.3107G>A (p.Cys1036Tyr)

Gene: ZDBF2 (zinc finger DBF-type containing 2; plus strand). Cytogenetic location: 2q33.3.
Variant type: single nucleotide variant.
Coding change: c.3107G>A on transcript NM_020923.3 (MANE Select); coding-DNA position 3107, G replaced by A.
Protein change: p.Cys1036Tyr; replaces cysteine 1036 with tyrosine.
Molecular consequence: missense variant.
Genome position (GRCh38, 1-based): chr2:206,307,635, G>A. VCF-style: chr2-206307635-G-A. GRCh37 (hg19) VCF-style: chr2-207172359-G-A.
Other names: c.3101G>A, p.Cys1034Tyr (NM_001285549.2); c.3107G>A, p.Cys1036Tyr (NM_001369654.1); short protein forms C1034Y, C1036Y.
Identifiers: ClinVar variation 3711143 (VCV003711143.2).

ClinVar aggregate classification (germline): Uncertain significance (1 of 4 stars; one submission).

gnomAD v4.1: 12 of 1,612,234 alleles (0.00074%); highest among the groups gnomAD compares: Admixed American, 0.0017%; no homozygotes.

Submission:

Labcorp Genetics (formerly Invitae), Labcorp
Classification: Uncertain significance. Last evaluated: 2024-08-10. Review status: criteria provided, single submitter. Criteria: Invitae Variant Classification Sherloc (09022015). Collection method: clinical testing. Allele origin: germline.
Comment: This sequence change replaces cysteine, which is neutral and slightly polar, with tyrosine, which is neutral and polar, at codon 1036 of the ZDBF2 protein (p.Cys1036Tyr). This variant is present in population databases (rs771714828, gnomAD 0.006%). This variant has not been reported in the literature in individuals affected with ZDBF2-related conditions. An algorithm developed to predict the effect of missense changes on protein structure and function outputs the following: PolyPhen-2: "Possibly Damaging". The tyrosine amino acid residue is found in multiple mammalian species, which suggests that this missense change does not adversely affect protein function. In summary, the available evidence is currently insufficient to determine the role of this variant in disease. Therefore, it has been classified as a Variant of Uncertain Significance.